The following is an entry in ClinVar:

ClinVar aggregate classification (germline): Uncertain significance (1 of 4 stars; one submission).

Submission:

Labcorp Genetics (formerly Invitae), Labcorp
Classification: Uncertain significance. Last evaluated: 2023-11-06. Review status: criteria provided, single submitter. Criteria: Invitae Variant Classification Sherloc (09022015). Collection method: clinical testing. Allele origin: germline.
Comment: This sequence change replaces alanine, which is neutral and non-polar, with threonine, which is neutral and polar, at codon 222 of the TULP1 protein (p.Ala222Thr). This variant is not present in population databases (gnomAD no frequency). This variant has not been reported in the literature in individuals affected with TULP1-related conditions. ClinVar contains an entry for this variant (Variation ID: 1522705). Advanced modeling of protein sequence and biophysical properties (such as structural, functional, and spatial information, amino acid conservation, physicochemical variation, residue mobility, and thermodynamic stability) performed at Invitae indicates that this missense variant is not expected to disrupt TULP1 protein function with a negative predictive value of 95%. In summary, the available evidence is currently insufficient to determine the role of this variant in disease. Therefore, it has been classified as a Variant of Uncertain Significance.

NM_003322.6(TULP1):c.664G>A (p.Ala222Thr)

Gene: TULP1 (TUB like protein 1; minus strand). Cytogenetic location: 6p21.31.
Variant type: single nucleotide variant.
Coding change: c.664G>A on transcript NM_003322.6 (MANE Select); coding-DNA position 664, G replaced by A.
Protein change: p.Ala222Thr; replaces alanine 222 with threonine.
Molecular consequence: missense variant.
Genome position (GRCh38, 1-based): chr6:35,509,688, C>T on the plus strand (G>A on the coding strand, the complement: TULP1 is on the minus strand). VCF-style: chr6-35509688-C-T. GRCh37 (hg19) VCF-style: chr6-35477465-C-T.
Other names: c.505G>A, p.Ala169Thr (NM_001289395.2); short protein forms A222T, A169T.
Identifiers: ClinVar variation 1522705 (VCV001522705.8), dbSNP rs2150927276, ClinGen allele CA363781890.
Genomic context (GRCh38, chr6:35,509,688, plus strand): 5'-ATCCACCTTTCTTCTTCAGGGCTTTCTTGTCAGGACTGCCTTCCCCAACCAGAAACATGG[C>T]TGCTGGGCTCTTCCTCGCACTGGCTGGGCTCCCTGAGGGGTCCTTGTCGGCCTCCCCAGA-3'
Protein context (NP_003313.3, residues 212-232): SPASARKSPA[Ala222Thr]MFLVGEGSPD